The following is an entry in ClinVar:

NM_021098.3(CACNA1H):c.3019T>C (p.Phe1007Leu)

Gene: CACNA1H (calcium voltage-gated channel subunit alpha1 H; plus strand). Cytogenetic location: 16p13.3.
Variant type: single nucleotide variant.
Coding change: c.3019T>C on transcript NM_021098.3 (MANE Select); coding-DNA position 3019, T replaced by C.
Protein change: p.Phe1007Leu; replaces phenylalanine 1007 with leucine.
Molecular consequence: missense variant.
Genome position (GRCh38, 1-based): chr16:1,207,386, T>C. VCF-style: chr16-1207386-T-C. GRCh37 (hg19) VCF-style: chr16-1257386-T-C.
Other names: c.3019T>C, p.Phe1007Leu (NM_001005407.2); short protein forms F1007L.
Identifiers: ClinVar variation 1318221 (VCV001318221.4), dbSNP rs764517695, ClinGen allele CA7800550.

ClinVar aggregate classification (germline): Uncertain significance. Review status: criteria provided, multiple submitters, no conflicts (2 of 4 stars). 2 submissions from 2 submitters: Uncertain significance (2). Last evaluated 2024-08-11.

Conditions:
Idiopathic generalized epilepsy. Also called: Generalised epilepsy; EIG. Identifiers: MedGen C0270850, MONDO:0005579, OMIM 600669.
Hyperaldosteronism, familial, type IV (HALD4). Also called: FH IV; ALDOSTERONISM, PRIMARY, AND HYPERTENSION. Identifiers: Orphanet 642671, MedGen C4310756, MONDO:0014875, OMIM 617027.

Allele frequency attached by ClinVar (database versions not stated): gnomAD 0.00001; ExAC 0.00001; gnomAD exomes 0.00001; TOPMed 0.00002.
gnomAD v4.1: 20 of 1,613,156 alleles (0.0012%); highest among the groups gnomAD compares: Non-Finnish European, 0.0016%; no homozygotes.

Submissions (2):

Labcorp Genetics (formerly Invitae), Labcorp
Classification: Uncertain significance for Idiopathic generalized epilepsy; Hyperaldosteronism, familial, type IV. Last evaluated: 2024-08-11. Review status: criteria provided, single submitter. Criteria: Invitae Variant Classification Sherloc (09022015). Collection method: clinical testing. Allele origin: germline.
Comment: This sequence change replaces phenylalanine, which is neutral and non-polar, with leucine, which is neutral and non-polar, at codon 1007 of the CACNA1H protein (p.Phe1007Leu). This variant is present in population databases (rs764517695, gnomAD 0.002%). This variant has not been reported in the literature in individuals affected with CACNA1H-related conditions. ClinVar contains an entry for this variant (Variation ID: 1318221). Advanced modeling of protein sequence and biophysical properties (such as structural, functional, and spatial information, amino acid conservation, physicochemical variation, residue mobility, and thermodynamic stability) performed at Invitae indicates that this missense variant is expected to disrupt CACNA1H protein function with a positive predictive value of 80%. In summary, the available evidence is currently insufficient to determine the role of this variant in disease. Therefore, it has been classified as a Variant of Uncertain Significance.

GeneDx
Classification: Uncertain significance. Last evaluated: 2020-10-09. Review status: criteria provided, single submitter. Criteria: GeneDx Variant Classification Process June 2021. Collection method: clinical testing. Allele origin: germline. Affected: yes.
Comment: Not observed at a significant frequency in large population cohorts (Lek et al., 2016); In silico analysis supports that this missense variant has a deleterious effect on protein structure/function; Has not been previously published as pathogenic or benign to our knowledge